The following is an entry in ClinVar:

ClinVar aggregate classification (germline): Likely pathogenic (1 of 4 stars; one submission).

Submission:

GeneDx
Classification: Likely pathogenic. Last evaluated: 2026-07-23. Review status: criteria provided, single submitter. Criteria: GeneDx Variant Classification Process June 2021. Collection method: clinical testing. Allele origin: germline.
Comment: Frameshift variant predicted to result in protein truncation or nonsense mediated decay in a gene for which loss of function is a known mechanism of disease; Not observed at significant frequency in large population cohorts (gnomAD); Has not been previously published as pathogenic or benign to our knowledge

NM_000702.4(ATP1A2):c.1631dup (p.Leu545fs)

Gene: ATP1A2 (ATPase Na+/K+ transporting subunit alpha 2; plus strand). Cytogenetic location: 1q23.2.
Variant type: Duplication.
Coding change: c.1631dup on transcript NM_000702.4 (MANE Select); coding-DNA position 1631, one base duplicated (G; older notation c.1631dupG).
Protein change: p.Leu545fs; shifts the reading frame from leucine 545.
Molecular consequence: frameshift variant.
Genome position (GRCh38, 1-based): chr1:160,130,271, G duplicated; the last of 6 consecutive G bases (chr1:160,130,266-160,130,271); duplicating any one gives the same sequence. VCF-style (leftmost placement, unchanged base first): chr1-160130265-T-TG. GRCh37 (hg19) VCF-style: chr1-160100055-T-TG.
Other names: short protein forms L545fs.
Identifiers: ClinVar variation 3781040 (VCV003781040.2).